The following is an entry in ClinVar:

NM_000152.5(GAA):c.1375G>T (p.Asp459Tyr)

Gene: GAA (alpha glucosidase; plus strand). Cytogenetic location: 17q25.3.
Variant type: single nucleotide variant.
Coding change: c.1375G>T on transcript NM_000152.5 (MANE Select); coding-DNA position 1375, G replaced by T.
Protein change: p.Asp459Tyr; replaces aspartic acid 459 with tyrosine.
Molecular consequence: missense variant.
Genome position (GRCh38, 1-based): chr17:80,109,993, G>T. VCF-style: chr17-80109993-G-T. GRCh37 (hg19) VCF-style: chr17-78083792-G-T.
Other names: c.1375G>T, p.Asp459Tyr (NM_001079803.3, NM_001079804.3); short protein forms D459Y.
Identifiers: ClinVar variation 945213 (VCV000945213.10), dbSNP rs535644999, ClinGen allele CA401366434.
Genomic context (GRCh38, chr17:80,109,993, plus strand): 5'-CCCTCTTCCCAGGATCCTGCCATCAGCAGCTCGGGCCCTGCCGGGAGCTACAGGCCCTAC[G>T]ACGAGGGTCTGCGGAGGGGGGTTTTCATCACCAACGAGACCGGCCAGCCGCTGATTGGGA-3'
Protein context (NP_000143.2, residues 449-469): SGPAGSYRPY[Asp459Tyr]EGLRRGVFIT

ClinVar aggregate classification (germline): Uncertain significance (1 of 4 stars; one submission).

Conditions:
Glycogen storage disease, type II (IOPD). Also called: Glucosidase acid-1,4-alpha deficiency; GLYCOGENOSIS, GENERALIZED, CARDIAC FORM; GSD II; CARDIOMEGALIA GLYCOGENICA DIFFUSA; Pompe Disease; POMPE DISEASE, INFANTILE-ONSET. Identifiers: Orphanet 365, MedGen C0017921, MONDO:0009290, OMIM 232300.

Submission:

Labcorp Genetics (formerly Invitae), Labcorp
Classification: Uncertain significance for Glycogen storage disease, type II. Last evaluated: 2019-06-23. Review status: criteria provided, single submitter. Criteria: Invitae Variant Classification Sherloc (09022015). Collection method: clinical testing. Allele origin: germline.
Comment: This sequence change replaces aspartic acid with tyrosine at codon 459 of the GAA protein (p.Asp459Tyr). The aspartic acid residue is highly conserved and there is a large physicochemical difference between aspartic acid and tyrosine. This variant is not present in population databases (ExAC no frequency). In summary, the available evidence is currently insufficient to determine the role of this variant in disease. Therefore, it has been classified as a Variant of Uncertain Significance. Algorithms developed to predict the effect of missense changes on protein structure and function (SIFT, PolyPhen-2, Align-GVGD) all suggest that this variant is likely to be disruptive, but these predictions have not been confirmed by published functional studies and their clinical significance is uncertain. This variant has not been reported in the literature in individuals with GAA-related conditions.